The following is an entry in ClinVar:

NM_005120.3(MED12):c.1319C>G (p.Ser440Cys)

Genes: MED12 (mediator complex subunit 12; plus strand), LOC126863275 (BRD4-independent group 4 enhancer GRCh37_chrX:70342400-70343599; plus strand). Cytogenetic location: Xq13.1.
Variant type: single nucleotide variant.
Coding change: c.1319C>G on transcript NM_005120.3 (MANE Select); coding-DNA position 1319, C replaced by G.
Protein change: p.Ser440Cys; replaces serine 440 with cysteine.
Molecular consequence: missense variant.
Genome position (GRCh38, 1-based): chrX:71,122,578, C>G. VCF-style: chrX-71122578-C-G. GRCh37 (hg19) VCF-style: chrX-70342428-C-G.
Other names: short protein forms S440C.
Identifiers: ClinVar variation 4882264 (VCV004882264.2).

ClinVar aggregate classification (germline): Uncertain significance (1 of 4 stars; one submission).

Submission:

Dasa
Classification: Uncertain significance. Last evaluated: 2025-06-19. Review status: criteria provided, single submitter. Criteria: DASA Assertion Criteria. Collection method: clinical testing. Allele origin: germline.
Comment: NM_005120.3(MED12):c.1319C>G (p.Ser440Cys) is a missense variant that results in the substitution of serine with cysteine. This variant is absent from population databases. Computational prediction algorithms are consistent with a benign effect. The currently available literature and clinical evidence are not sufficient to establish a definitive association between this variant and the reported condition. Therefore, this variant is classified as a variant of uncertain significance.